The following is an entry in ClinVar:

ClinVar aggregate classification (germline): Likely pathogenic (1 of 4 stars; one submission).

Conditions:
Hypertrophic cardiomyopathy. Also called: HYPERTROPHIC MYOCARDIOPATHY. Identifiers: Orphanet 217569, MedGen C0007194, MeSH D002312, MONDO:0005045, HP:0001639.

Submission:

Labcorp Genetics (formerly Invitae), Labcorp
Classification: Likely pathogenic for Hypertrophic cardiomyopathy. Last evaluated: 2022-02-23. Review status: criteria provided, single submitter. Criteria: Invitae Variant Classification Sherloc (09022015). Collection method: clinical testing. Allele origin: germline.
Comment: This variant is not present in population databases (gnomAD no frequency). In summary, the currently available evidence indicates that the variant is pathogenic, but additional data are needed to prove that conclusively. Therefore, this variant has been classified as Likely Pathogenic. This variant has been observed in individual(s) with hypertrophic cardiomyopathy (Invitae). This variant results in the deletion of part of exon 12 of the MYBPC3 gene. It is expected to disrupt RNA splicing. Variants that disrupt the donor or acceptor splice site typically lead to a loss of protein function (PMID: 16199547), and loss-of-function variants in MYBPC3 are known to be pathogenic (PMID: 19574547).

Literature cited by the submitters: PubMed 16199547; PubMed 19574547.

NM_000256.3(MYBPC3):c.933_1090+396del

Gene: MYBPC3 (myosin binding protein C3; minus strand). Cytogenetic location: 11p11.2.
Variant type: Deletion.
Coding change: c.933_1090+396del on transcript NM_000256.3 (MANE Select); coding-DNA position 933 through 396 bases into the intron after coding-DNA position 1090, 554 bases deleted.
Molecular consequence: splice donor variant.
Genome position (GRCh38, 1-based): chr11:47,345,811-47,346,364, 554 bases deleted. GRCh37 (hg19): chr11:47,367,365-47,367,918.
Identifiers: ClinVar variation 2102616 (VCV002102616.4), dbSNP rs2495769395, ClinGen allele CA2580084293.